The following is an entry in ClinVar:

ClinVar aggregate classification (germline): Uncertain significance (1 of 4 stars; one submission).

Conditions:
Autosomal recessive limb-girdle muscular dystrophy type R18 (LGMDR18). Also called: Limb-girdle muscular dystrophy, type 2S; MUSCULAR DYSTROPHY, LIMB-GIRDLE, AUTOSOMAL RECESSIVE 18; Autosomal recessive limb-girdle muscular dystrophy type 2S. Identifiers: Orphanet 369840, MedGen C4517996, MONDO:0014144, OMIM 615356.

Allele frequency attached by ClinVar (database versions not stated): TOPMed 0.00002.
gnomAD v4.1: 1 of 1,576,230 alleles (0.000063%); highest among the groups gnomAD compares: Non-Finnish European, 0.000086%; no homozygotes.

Submission:

Labcorp Genetics (formerly Invitae), Labcorp
Classification: Uncertain significance for Autosomal recessive limb-girdle muscular dystrophy type R18. Last evaluated: 2025-08-18. Review status: criteria provided, single submitter. Criteria: Invitae Variant Classification Sherloc (09022015). Collection method: clinical testing. Allele origin: germline.
Comment: This sequence change replaces histidine, which is basic and polar, with glutamine, which is neutral and polar, at codon 195 of the TRAPPC11 protein (p.His195Gln). This variant is not present in population databases (gnomAD no frequency). This variant has not been reported in the literature in individuals affected with TRAPPC11-related conditions. ClinVar contains an entry for this variant (Variation ID: 568011). Invitae Evidence Modeling of protein sequence and biophysical properties (such as structural, functional, and spatial information, amino acid conservation, physicochemical variation, residue mobility, and thermodynamic stability) indicates that this missense variant is not expected to disrupt TRAPPC11 protein function with a negative predictive value of 80%. In summary, the available evidence is currently insufficient to determine the role of this variant in disease. Therefore, it has been classified as a Variant of Uncertain Significance.

NM_021942.6(TRAPPC11):c.585T>G (p.His195Gln)

Gene: TRAPPC11 (trafficking protein particle complex subunit 11; plus strand). Cytogenetic location: 4q35.1.
Variant type: single nucleotide variant.
Coding change: c.585T>G on transcript NM_021942.6 (MANE Select); coding-DNA position 585, T replaced by G.
Protein change: p.His195Gln; replaces histidine 195 with glutamine.
Molecular consequence: missense variant.
Genome position (GRCh38, 1-based): chr4:183,674,737, T>G. VCF-style: chr4-183674737-T-G. GRCh37 (hg19) VCF-style: chr4-184595890-T-G.
Other names: c.585T>G, p.His195Gln (NM_199053.3); short protein forms H195Q.
Identifiers: ClinVar variation 568011 (VCV000568011.8), dbSNP rs1411666786, ClinGen allele CA358860741.